The following is an entry in ClinVar:

ClinVar aggregate classification (germline): Uncertain significance (1 of 4 stars; one submission).

Conditions:
Aortic aneurysm, familial thoracic 4 (AAT4). Also called: AORTIC ANEURYSM/AORTIC DISSECTION AND PATENT DUCTUS ARTERIOSUS. Identifiers: MedGen C1851504, MONDO:0007568, OMIM 132900.

Submission:

Labcorp Genetics (formerly Invitae), Labcorp
Classification: Uncertain significance for Aortic aneurysm, familial thoracic 4. Last evaluated: 2025-02-26. Review status: criteria provided, single submitter. Criteria: Invitae Variant Classification Sherloc (09022015). Collection method: clinical testing. Allele origin: germline.
Comment: This sequence change replaces lysine, which is basic and polar, with glutamic acid, which is acidic and polar, at codon 1034 of the MYH11 protein (p.Lys1034Glu). This variant is not present in population databases (gnomAD no frequency). This variant has not been reported in the literature in individuals affected with MYH11-related conditions. Invitae Evidence Modeling of protein sequence and biophysical properties (such as structural, functional, and spatial information, amino acid conservation, physicochemical variation, residue mobility, and thermodynamic stability) indicates that this missense variant is not expected to disrupt MYH11 protein function with a negative predictive value of 95%. In summary, the available evidence is currently insufficient to determine the role of this variant in disease. Therefore, it has been classified as a Variant of Uncertain Significance.

NM_002474.3(MYH11):c.3079A>G (p.Lys1027Glu)

Gene: MYH11 (myosin heavy chain 11; minus strand). Cytogenetic location: 16p13.11.
Variant type: single nucleotide variant.
Coding change: c.3079A>G on transcript NM_002474.3 (MANE Select); coding-DNA position 3079, A replaced by G.
Protein change: p.Lys1027Glu; replaces lysine 1027 with glutamic acid.
Molecular consequence: missense variant.
Genome position (GRCh38, 1-based): chr16:15,738,607, T>C on the plus strand (A>G on the coding strand, the complement: MYH11 is on the minus strand). VCF-style: chr16-15738607-T-C. GRCh37 (hg19) VCF-style: chr16-15832464-T-C.
Other names: c.3100A>G, p.Lys1034Glu (NM_001040113.2, NM_001040114.2); c.3079A>G, p.Lys1027Glu (NM_022844.3); short protein forms K1027E, K1034E.
Identifiers: ClinVar variation 4797667 (VCV004797667.1).